The following is an entry in ClinVar:

NC_000016.9:g.(?_89838076)_(89842233_?)del

Gene: FANCA (FA complementation group A; minus strand). Cytogenetic location: 16q24.3.
Variant type: Deletion.
Identifiers: ClinVar variation 1458391 (VCV001458391.4).

ClinVar aggregate classification (germline): Pathogenic (1 of 4 stars; one submission).

Conditions:
Fanconi anemia (FA). Also called: Fanconi's anemia. Identifiers: Orphanet 84, MedGen C0015625, MeSH D005199, MONDO:0019391.

Submission:

Labcorp Genetics (formerly Invitae), Labcorp
Classification: Pathogenic for Fanconi anemia. Last evaluated: 2021-09-15. Review status: criteria provided, single submitter. Criteria: Invitae Variant Classification Sherloc (09022015). Collection method: clinical testing. Allele origin: germline.
Comment: This variant is a gross deletion of the genomic region encompassing exon(s) 21-23 of the FANCA gene. This deletion is out-of-frame, and is expected to create a premature termination codon and result in an absent or disrupted protein product. Loss-of-function variants in FANCA are known to be pathogenic (PMID: 19367192). For these reasons, this variant has been classified as Pathogenic. This variant has not been reported in the literature in individuals affected with FANCA-related conditions.

Literature cited by the submitters: PubMed 19367192.